The following is an entry in ClinVar:

ClinVar aggregate classification (germline): Uncertain significance. Review status: criteria provided, multiple submitters, no conflicts (2 of 4 stars). 2 submissions from 2 submitters: Uncertain significance (2). Last evaluated 2024-10-15.

Conditions:
Combined deficiency of sialidase AND beta galactosidase (GSL). Also called: GOLDBERG SYNDROME; NEURAMINIDASE DEFICIENCY WITH BETA-GALACTOSIDASE DEFICIENCY; NEURAMINIDASE/BETA-GALACTOSIDASE EXPRESSION; CATHEPSIN A DEFICIENCY; PPCA DEFICIENCY; PROTECTIVE PROTEIN/CATHEPSIN A DEFICIENCY. Identifiers: Orphanet 351, MedGen C0268233, MONDO:0009737, OMIM 256540.

Allele frequency attached by ClinVar (database versions not stated): gnomAD exomes 0.00001 and 0.00006; gnomAD 0.00002 and 0.00004; TOPMed 0.00006; ExAC 0.00007.
gnomAD v4.1: 32 of 1,614,078 alleles (0.002%); highest among the groups gnomAD compares: East Asian, 0.038%; no homozygotes.

Submissions (2):

Labcorp Genetics (formerly Invitae), Labcorp
Classification: Uncertain significance for Combined deficiency of sialidase AND beta galactosidase. Last evaluated: 2024-10-15. Review status: criteria provided, single submitter. Criteria: Invitae Variant Classification Sherloc (09022015). Collection method: clinical testing. Allele origin: germline.
Comment: This sequence change replaces methionine, which is neutral and non-polar, with valine, which is neutral and non-polar, at codon 379 of the CTSA protein (p.Met379Val). This variant is present in population databases (rs752703552, gnomAD 0.07%). This variant has not been reported in the literature in individuals affected with CTSA-related conditions. ClinVar contains an entry for this variant (Variation ID: 1416128). Invitae Evidence Modeling of protein sequence and biophysical properties (such as structural, functional, and spatial information, amino acid conservation, physicochemical variation, residue mobility, and thermodynamic stability) indicates that this missense variant is not expected to disrupt CTSA protein function with a negative predictive value of 80%. In summary, the available evidence is currently insufficient to determine the role of this variant in disease. Therefore, it has been classified as a Variant of Uncertain Significance.

Breakthrough Genomics
Classification: Uncertain significance. Review status: criteria provided, single submitter. Criteria: ACMG Guidelines, 2015. Collection method: not provided. Allele origin: germline. Inheritance: Autosomal dominant inheritance. Affected: yes.

NM_000308.4(CTSA):c.1081A>G (p.Met361Val)

Gene: CTSA (cathepsin A; plus strand). Cytogenetic location: 20q13.12.
Variant type: single nucleotide variant.
Coding change: c.1081A>G on transcript NM_000308.4 (MANE Select); coding-DNA position 1081, A replaced by G.
Protein change: p.Met361Val; replaces methionine 361 with valine.
Molecular consequence: missense variant. On other transcripts: non-coding transcript variant (1).
Genome position (GRCh38, 1-based): chr20:45,895,126, A>G. VCF-style: chr20-45895126-A-G. GRCh37 (hg19) VCF-style: chr20-44523765-A-G.
Other names: c.1081A>G, p.Met361Val (NM_001127695.3); c.1030A>G, p.Met344Val (NM_001167594.3); short protein forms M361V, M344V.
Identifiers: ClinVar variation 1416128 (VCV001416128.7), dbSNP rs752703552, ClinGen allele CA9883266.